The following is an entry in ClinVar:

ClinVar aggregate classification (germline): Uncertain significance (1 of 4 stars; one submission).

Conditions:
Cyclical neutropenia. Also called: Cyclic Neutropenia; Cyclic hematopoiesis. Identifiers: Orphanet 2686, MedGen C0221023, MONDO:0008090, OMIM 162800, HP:0040289. Disease mechanism: loss of function.
Neutropenia, severe congenital, 1, autosomal dominant. Identifiers: MedGen C1859966, MONDO:0042490, OMIM 202700.

Submission:

Labcorp Genetics (formerly Invitae), Labcorp
Classification: Uncertain significance for Neutropenia, severe congenital, 1, autosomal dominant; Cyclical neutropenia. Last evaluated: 2021-11-27. Review status: criteria provided, single submitter. Criteria: Invitae Variant Classification Sherloc (09022015). Collection method: clinical testing. Allele origin: germline.
Comment: Algorithms developed to predict the effect of missense changes on protein structure and function (SIFT, PolyPhen-2, Align-GVGD) all suggest that this variant is likely to be tolerated. This variant has not been reported in the literature in individuals affected with ELANE-related conditions. This variant is not present in population databases (gnomAD no frequency). This sequence change replaces glutamic acid, which is acidic and polar, with alanine, which is neutral and non-polar, at codon 106 of the ELANE protein (p.Glu106Ala). In summary, the available evidence is currently insufficient to determine the role of this variant in disease. Therefore, it has been classified as a Variant of Uncertain Significance.

NM_001972.4(ELANE):c.317A>C (p.Glu106Ala)

Gene: ELANE (elastase, neutrophil expressed; plus strand). Cytogenetic location: 19p13.3.
Variant type: single nucleotide variant.
Coding change: c.317A>C on transcript NM_001972.4 (MANE Select); coding-DNA position 317, A replaced by C.
Protein change: p.Glu106Ala; replaces glutamic acid 106 with alanine.
Molecular consequence: missense variant.
Genome position (GRCh38, 1-based): chr19:853,354, A>C. VCF-style: chr19-853354-A-C. GRCh37 (hg19) VCF-style: chr19-853354-A-C.
Other names: short protein forms E106A.
Identifiers: ClinVar variation 2005678 (VCV002005678.4), dbSNP rs2145145206, ClinGen allele CA402916181.